The following is an entry in ClinVar:

NM_031276.3(TEX11):c.2448G>A (p.Ser816=)

Gene: TEX11 (testis expressed 11; minus strand). Cytogenetic location: Xq13.1.
Variant type: single nucleotide variant.
Coding change: c.2448G>A on transcript NM_031276.3 (MANE Select); coding-DNA position 2448, G replaced by A.
Protein change: p.Ser816=; no amino-acid change (serine 816 retained).
Molecular consequence: synonymous variant.
Genome position (GRCh38, 1-based): chrX:70,552,198, C>T on the plus strand (G>A on the coding strand, the complement: TEX11 is on the minus strand). VCF-style: chrX-70552198-C-T. GRCh37 (hg19) VCF-style: chrX-69772048-C-T.
Other names: c.2493G>A, p.Ser831= (NM_001003811.2).
Identifiers: ClinVar variation 3047439 (VCV003047439.2), dbSNP rs144951375, ClinGen allele CA10442465.

ClinVar aggregate classification (germline): Likely benign (0 of 4 stars; one submission).

Conditions:
TEX11-related disorder. Also called: TEX11-related condition.

Allele frequency attached by ClinVar (database versions not stated): ExAC 0.00013; gnomAD 0.00016; gnomAD exomes 0.00017; TOPMed 0.00019; ESP Exome Variant Server 0.00028.
gnomAD v4.1: 204 of 1,209,352 alleles (0.017%); highest among the groups gnomAD compares: Non-Finnish European, 0.022%; no homozygotes.

Submission:

PreventionGenetics, part of Exact Sciences
Classification: Likely benign for TEX11-related condition. Last evaluated: 2019-03-06. Review status: no assertion criteria provided. Collection method: clinical testing. Allele origin: germline.
Comment: This variant is classified as likely benign based on ACMG/AMP sequence variant interpretation guidelines (Richards et al. 2015 PMID: 25741868, with internal and published modifications).